The following is an entry in ClinVar:

ClinVar aggregate classification (germline): Conflicting classifications of pathogenicity. Review status: criteria provided, conflicting classifications (1 of 4 stars). 9 submissions from 9 submitters: Uncertain significance (3); Benign (1); Likely benign (4). 1 of the submissions does not count toward it. Last evaluated 2026-01-25.

Conditions:
Cardiomyopathy (CMYO). Also called: Cardiomyopathies. Identifiers: Orphanet 167848, MedGen C0878544, MONDO:0004994, HP:0001638. Inheritance: Various modes of inheritance.
Becker muscular dystrophy (BMD). Also called: MUSCULAR DYSTROPHY, PSEUDOHYPERTROPHIC PROGRESSIVE, BECKER TYPE; Becker Muscular Dystrophy (BMD). Identifiers: Orphanet 98895, MedGen C0917713, MONDO:0010311, OMIM 300376.
Duchenne muscular dystrophy (DMD). Also called: MUSCULAR DYSTROPHY, PSEUDOHYPERTROPHIC PROGRESSIVE, DUCHENNE TYPE; Duchenne Muscular Dystrophy (DMD). Identifiers: Orphanet 98896, MedGen C0013264, MONDO:0010679, OMIM 310200.
Dystrophin deficiency.
Cardiovascular phenotype. Identifiers: MedGen CN230736.

Allele frequency attached by ClinVar (database versions not stated): TOPMed 0.00005; ExAC 0.00007; gnomAD 0.00007 and 0.00008; ESP Exome Variant Server 0.00019.
gnomAD v4.1: 66 of 1,207,696 alleles (0.0055%); highest among the groups gnomAD compares: Non-Finnish European, 0.0068%; no homozygotes.

Submissions (9):

Labcorp Genetics (formerly Invitae), Labcorp
Classification: Likely benign for Duchenne muscular dystrophy. Last evaluated: 2026-01-25. Review status: criteria provided, single submitter. Criteria: Invitae Variant Classification Sherloc (09022015). Collection method: clinical testing. Allele origin: germline.

Women's Health and Genetics/Laboratory Corporation of America, LabCorp
Classification: Benign. Last evaluated: 2025-09-29. Review status: criteria provided, single submitter. Criteria: LabCorp Variant Classification Summary - May 2015. Collection method: clinical testing. Allele origin: germline.
Comment: Variant summary: DMD c.733A>G (p.Ile245Val) results in a conservative amino acid change in the encoded protein sequence. Algorithms developed to predict the effect of missense changes on protein structure and function all suggest that this variant is likely to be tolerated. The variant allele was found at a frequency of 5.5e-05 in 1207696 control chromosomes, including 17 hemizygotes. The observed variant frequency exceeds the estimated maximal expected allele frequency for disease-causing variants in DMD. c.733A>G has been observed in an individual affected with Dystrophinopathy who had a co-occurring pathogenic variant (DMD exon 2 duplication), providing supporting evidence for a benign role (De Palma_2021). To our knowledge, no experimental evidence demonstrating an impact on protein function has been reported. The following publication has been ascertained in the context of this evaluation (PMID: 34679607). ClinVar contains an entry for this variant (Variation ID: 198788). Based on the evidence outlined above, the variant was classified as benign.

Ambry Genetics
Classification: Likely benign for Cardiovascular phenotype. Last evaluated: 2025-02-19. Review status: criteria provided, single submitter. Criteria: Ambry Variant Classification Scheme 2023. Collection method: clinical testing. Allele origin: germline.

Mayo Clinic Laboratories, Mayo Clinic
Classification: Uncertain significance. Last evaluated: 2025-01-15. Review status: criteria provided, single submitter. Criteria: ACMG Guidelines, 2015. Collection method: clinical testing. Allele origin: germline. Observed: 1 variant allele.
Comment: BP4

Revvity Omics, Revvity
Classification: Likely benign. Last evaluated: 2024-12-23. Review status: criteria provided, single submitter. Criteria: ACMG Guidelines, 2015. Collection method: clinical testing. Allele origin: germline.

Blueprint Genetics
Classification: Likely benign. Last evaluated: 2022-07-22. Review status: criteria provided, single submitter. Criteria: ACMG Guidelines, 2015. Collection method: clinical testing. Allele origin: germline.

CeGaT Center for Human Genetics Tuebingen
Classification: Uncertain significance. Last evaluated: 2018-03-31. Review status: criteria provided, single submitter. Criteria: Praxis fuer Humangenetik Tuebingen - Variant Classification Criteria. Collection method: clinical testing. Allele origin: germline. Affected: yes. Observed: 1 variant allele.

Eurofins Ntd Llc (ga)
Classification: Uncertain significance. Last evaluated: 2014-11-23. Review status: criteria provided, single submitter. Criteria: EGL Classification Definitions 2015. Collection method: clinical testing. Allele origin: germline. Observed: 2 variant alleles, 1 heterozygote, 1 hemizygote.

Natera, Inc.
Classification: Uncertain significance for Becker muscular dystrophy; Cardiomyopathy; Duchenne muscular dystrophy; Dystrophin deficiency. Last evaluated: 2020-01-17. Review status: no assertion criteria provided. Collection method: clinical testing. Allele origin: germline. Not counted in ClinVar's aggregate classification.

Literature cited by the submitters: PubMed 34679607 (cited by Women's Health and Genetics/Laboratory Corporation of America, LabCorp).

NM_004006.3(DMD):c.733A>G (p.Ile245Val)

Gene: DMD (dystrophin; minus strand). Cytogenetic location: Xp21.1.
Variant type: single nucleotide variant.
Coding change: c.733A>G on transcript NM_004006.3 (MANE Select); coding-DNA position 733, A replaced by G.
Protein change: p.Ile245Val; replaces isoleucine 245 with valine.
Molecular consequence: missense variant.
Genome position (GRCh38, 1-based): chrX:32,699,210, T>C on the plus strand (A>G on the coding strand, the complement: DMD is on the minus strand). VCF-style: chrX-32699210-T-C. GRCh37 (hg19) VCF-style: chrX-32717327-T-C.
Other names: p.Ile245Val; c.709A>G, p.Ile237Val (NM_000109.4); c.721A>G, p.Ile241Val (NM_004009.3); c.364A>G, p.Ile122Val (NM_004010.3); short protein forms I245V, I237V, I241V, I122V.
Identifiers: ClinVar variation 198788 (VCV000198788.26), dbSNP rs140510985, ClinGen allele CA247616.